The following is an entry in ClinVar:

NM_024675.4(PALB2):c.2587-5G>A

Gene: PALB2 (partner and localizer of BRCA2; minus strand). Cytogenetic location: 16p12.2.
Variant type: single nucleotide variant.
Coding change: c.2587-5G>A on transcript NM_024675.4 (MANE Select); 5 bases into the intron before coding-DNA position 2587, G replaced by A.
Molecular consequence: intron variant.
Genome position (GRCh38, 1-based): chr16:23,626,402, C>T on the plus strand (G>A on the coding strand, the complement: PALB2 is on the minus strand). VCF-style: chr16-23626402-C-T. GRCh37 (hg19) VCF-style: chr16-23637723-C-T.
Identifiers: ClinVar variation 384744 (VCV000384744.15), dbSNP rs1057522036, ClinGen allele CA16606994.

ClinVar aggregate classification (germline): Likely benign. Review status: criteria provided, multiple submitters, no conflicts (2 of 4 stars). 4 submissions from 4 submitters: Likely benign (4). Last evaluated 2025-11-05.

Conditions:
Familial cancer of breast. Also called: hereditary breast carcinoma; Hereditary breast cancer; BREAST CANCER, FAMILIAL. Identifiers: Orphanet 227535, MedGen C0346153, MONDO:0016419, OMIM 114480. Disease mechanism: loss of function.
Hereditary cancer-predisposing syndrome. Also called: Hereditary Cancer Syndrome; Hereditary neoplastic syndrome; Neoplastic Syndromes, Hereditary; Tumor predisposition. Identifiers: Orphanet 140162, MedGen C0027672, MeSH D009386, MONDO:0015356.

Allele frequency attached by ClinVar (database versions not stated): gnomAD exomes below 0.00001.
gnomAD v4.1: 3 of 1,614,120 alleles (0.00019%); highest among the groups gnomAD compares: South Asian, 0.0011%; no homozygotes.

Submissions (4):

Labcorp Genetics (formerly Invitae), Labcorp
Classification: Likely benign for Familial cancer of breast. Last evaluated: 2025-11-05. Review status: criteria provided, single submitter. Criteria: Invitae Variant Classification Sherloc (09022015). Collection method: clinical testing. Allele origin: germline.

Myriad Genetics, Inc.
Classification: Likely benign for Familial cancer of breast. Last evaluated: 2025-01-17. Review status: criteria provided, single submitter. Criteria: Myriad Autosomal Dominant, Autosomal Recessive and X-Linked Classification Criteria (2023). Collection method: clinical testing. Allele origin: unknown.
Comment: This variant is considered likely benign. This variant is intronic and is not expected to impact mRNA splicing.

Ambry Genetics
Classification: Likely benign for Hereditary cancer-predisposing syndrome. Last evaluated: 2023-01-05. Review status: criteria provided, single submitter. Criteria: Ambry Variant Classification Scheme 2023. Collection method: clinical testing. Allele origin: germline.

GeneDx
Classification: Likely benign. Last evaluated: 2016-03-10. Review status: criteria provided, single submitter. Criteria: GeneDx Variant Classification (06012015). Collection method: clinical testing. Allele origin: germline. Affected: yes.
Comment: This variant is considered likely benign or benign based on one or more of the following criteria: it is a conservative change, it occurs at a poorly conserved position in the protein, it is predicted to be benign by multiple in silico algorithms, and/or has population frequency not consistent with disease.